The following is an entry in ClinVar:

NM_001377137.1(GBF1):c.315A>G (p.Thr105=)

Gene: GBF1 (golgi brefeldin A resistant guanine nucleotide exchange factor 1; plus strand). Cytogenetic location: 10q24.32.
Variant type: single nucleotide variant.
Coding change: c.315A>G on transcript NM_001377137.1 (MANE Select); coding-DNA position 315, A replaced by G.
Protein change: p.Thr105=; no amino-acid change (threonine 105 retained).
Molecular consequence: synonymous variant. On other transcripts: non-coding transcript variant (5).
Genome position (GRCh38, 1-based): chr10:102,351,275, A>G. VCF-style: chr10-102351275-A-G. GRCh37 (hg19) VCF-style: chr10-104111032-A-G.
Other names: p.Thr105=; c.315A>G, p.Thr105= (NM_001199378.2, NM_001199379.2, NM_001377138.1 and 16 more transcripts).
Identifiers: ClinVar variation 4683539 (VCV004683539.1).

ClinVar aggregate classification (germline): Likely benign (1 of 4 stars; one submission).

gnomAD v4.1: 92 of 1,600,290 alleles (0.0057%); highest among the groups gnomAD compares: Non-Finnish European, 0.0076%; no homozygotes.

Submission:

Mayo Clinic Laboratories, Mayo Clinic
Classification: Likely benign. Last evaluated: 2025-03-03. Review status: criteria provided, single submitter. Criteria: ACMG Guidelines, 2015. Collection method: clinical testing. Allele origin: germline. Observed: 1 variant allele.
Comment: BP4, BP7